The following is an entry in ClinVar:

ClinVar aggregate classification (germline): Uncertain significance (1 of 4 stars; one submission).

Conditions:
KMT2D-related disorder. Also called: KMT2D-Related Disorders.

gnomAD v4.1: 6 of 1,604,678 alleles (0.00037%); highest among the groups gnomAD compares: East Asian, 0.0067%; no homozygotes.

Submission:

PreventionGenetics, part of Exact Sciences
Classification: Uncertain significance for KMT2D-related condition. Last evaluated: 2026-03-10. Review status: criteria provided, single submitter. Criteria: ACMG Guidelines, 2015. Collection method: clinical testing. Allele origin: germline.
Comment: The KMT2D c.3004C>T variant is predicted to result in the amino acid substitution p.Pro1002Ser. To our knowledge, this variant has not been reported in the literature. This variant is reported in 0.015% of alleles in individuals of East Asian descent in gnomAD. At this time, the clinical significance of this variant is uncertain due to the absence of conclusive functional and genetic evidence.

NM_003482.4(KMT2D):c.3004C>T (p.Pro1002Ser)

Gene: KMT2D (lysine methyltransferase 2D; minus strand). Cytogenetic location: 12q13.12.
Variant type: single nucleotide variant.
Coding change: c.3004C>T on transcript NM_003482.4 (MANE Select); coding-DNA position 3004, C replaced by T.
Protein change: p.Pro1002Ser; replaces proline 1002 with serine.
Molecular consequence: missense variant.
Genome position (GRCh38, 1-based): chr12:49,050,584, G>A on the plus strand (C>T on the coding strand, the complement: KMT2D is on the minus strand). VCF-style: chr12-49050584-G-A. GRCh37 (hg19) VCF-style: chr12-49444367-G-A.
Other names: short protein forms P1002S.
Identifiers: ClinVar variation 4991474 (VCV004991474.1).